The following is an entry in ClinVar:

ClinVar aggregate classification (germline): Uncertain significance. Review status: criteria provided, multiple submitters, no conflicts (2 of 4 stars). 2 submissions from 2 submitters: Uncertain significance (2). Last evaluated 2025-05-04.

Conditions:
Hereditary cancer-predisposing syndrome. Also called: Hereditary Cancer Syndrome; Neoplastic Syndromes, Hereditary; Tumor predisposition; Hereditary neoplastic syndrome. Identifiers: Orphanet 140162, MedGen C0027672, MeSH D009386, MONDO:0015356.
Hereditary diffuse gastric adenocarcinoma (HDGC). Also called: DIFFUSE GASTRIC AND LOBULAR BREAST CANCER SYNDROME. Identifiers: Orphanet 26106, MedGen C1708349, MONDO:0007648, OMIM 137215.

Submissions (2):

Labcorp Genetics (formerly Invitae), Labcorp
Classification: Uncertain significance for Hereditary diffuse gastric adenocarcinoma. Last evaluated: 2025-05-04. Review status: criteria provided, single submitter. Criteria: Invitae Variant Classification Sherloc (09022015). Collection method: clinical testing. Allele origin: germline.
Comment: This sequence change replaces valine, which is neutral and non-polar, with isoleucine, which is neutral and non-polar, at codon 284 of the CDH1 protein (p.Val284Ile). This variant is not present in population databases (gnomAD no frequency). This variant has not been reported in the literature in individuals affected with CDH1-related conditions. ClinVar contains an entry for this variant (Variation ID: 185674). An algorithm developed to predict the effect of missense changes on protein structure and function (PolyPhen-2) suggests that this variant is likely to be disruptive. In summary, the available evidence is currently insufficient to determine the role of this variant in disease. Therefore, it has been classified as a Variant of Uncertain Significance.

Ambry Genetics
Classification: Uncertain significance for Hereditary cancer-predisposing syndrome. Last evaluated: 2025-03-31. Review status: criteria provided, single submitter. Criteria: Ambry Variant Classification Scheme 2023. Collection method: clinical testing. Allele origin: germline.
Comment: The p.V284I variant (also known as c.850G>A), located in coding exon 7 of the CDH1 gene, results from a G to A substitution at nucleotide position 850. The valine at codon 284 is replaced by isoleucine, an amino acid with highly similar properties. This amino acid position is well conserved in available vertebrate species; however, isoleucine is the reference amino acid in other vertebrate species. In addition, this alteration is predicted to be tolerated by in silico analysis. Based on the available evidence, the clinical significance of this variant remains unclear.

NM_004360.5(CDH1):c.850G>A (p.Val284Ile)

Gene: CDH1 (cadherin 1; plus strand). Cytogenetic location: 16q22.1.
Variant type: single nucleotide variant.
Coding change: c.850G>A on transcript NM_004360.5 (MANE Select); coding-DNA position 850, G replaced by A.
Protein change: p.Val284Ile; replaces valine 284 with isoleucine.
Molecular consequence: missense variant. On other transcripts: 5 prime UTR variant (2).
Genome position (GRCh38, 1-based): chr16:68,811,701, G>A. VCF-style: chr16-68811701-G-A. GRCh37 (hg19) VCF-style: chr16-68845604-G-A.
Other names: c.850G>A (LRG_301t1); c.850G>A, p.Val284Ile (NM_001317184.2); c.-766G>A (NM_001317185.2); c.-970G>A (NM_001317186.2); short protein forms V284I.
Identifiers: ClinVar variation 185674 (VCV000185674.11), dbSNP rs786202364, ClinGen allele CA192581.